The following is an entry in ClinVar:

NM_002335.4(LRP5):c.3763+2T>C

Gene: LRP5 (LDL receptor related protein 5; plus strand). Cytogenetic location: 11q13.2.
Variant type: single nucleotide variant.
Coding change: c.3763+2T>C on transcript NM_002335.4 (MANE Select); the canonical splice donor site of the intron after coding-DNA position 3763, T replaced by C.
Molecular consequence: splice donor variant.
Genome position (GRCh38, 1-based): chr11:68,429,702, T>C. VCF-style: chr11-68429702-T-C. GRCh37 (hg19) VCF-style: chr11-68197170-T-C.
Other names: c.2020+2T>C (NM_001291902.2).
Identifiers: ClinVar variation 1722379 (VCV001722379.10), dbSNP rs774270653, ClinGen allele CA6150091.
Genomic context (GRCh38, chr11:68,429,702, plus strand): 5'-ACCACGGTGCTCATGCCCAGTCCACCTCGTGCTCCTGCAGAACCTGCTGACCTGTGGAGG[T>C]AGGTGTGACCTAGGTGCTCCTTTGGGGTGATGGACAGGTACCTGATTCTCTGCCTGCTAG-3'

ClinVar aggregate classification (germline): Conflicting classifications of pathogenicity. Review status: criteria provided, conflicting classifications (1 of 4 stars). 5 submissions from 5 submitters: Likely pathogenic (4); Uncertain significance (1). Last evaluated 2026-09-06.

Conditions:
LRP5-related disorder. Also called: LRP5-related condition.
Familial exudative vitreoretinopathy. Identifiers: Orphanet 891, MedGen C0339539, MeSH D000080345, MONDO:0019516.

Allele frequency attached by ClinVar (database versions not stated): gnomAD 0.00001; gnomAD exomes 0.00001; TOPMed 0.00001; ExAC 0.00002.
gnomAD v4.1: 22 of 1,613,980 alleles (0.0014%); highest among the groups gnomAD compares: African/African-American, 0.0027%; no homozygotes.

Submissions (6):

PreventionGenetics, part of Exact Sciences
Classification: Likely pathogenic for LRP5-related condition. Last evaluated: 2026-09-06. Review status: criteria provided, single submitter. Criteria: ACMG Guidelines, 2015. Collection method: clinical testing. Allele origin: germline.
Comment: The LRP5 c.3763+2T>C variant is predicted to disrupt the GT donor site and interfere with normal splicing. This variant has been reported in the compound heterozygous state in an individual with osteoporosis-pseudoglioma syndrome (Ai et al. 2005. PubMed ID: 16252235). This variant is reported in 0.0062% of alleles in individuals of African descent in gnomAD. Variants that disrupt the consensus splice donor site in LRP5 are expected to be pathogenic. This variant is interpreted as likely pathogenic.

Labcorp Genetics (formerly Invitae), Labcorp
Classification: Likely pathogenic. Last evaluated: 2025-11-11. Review status: criteria provided, single submitter. Criteria: Invitae Variant Classification Sherloc (09022015). Collection method: clinical testing. Allele origin: germline.
Comment: This sequence change affects a donor splice site in intron 17 of the LRP5 gene. It is expected to disrupt RNA splicing. Variants that disrupt the donor or acceptor splice site typically lead to a loss of protein function (PMID: 16199547), and loss-of-function variants in LRP5 are known to be pathogenic (PMID: 11719191, 16252235, 25711638). This variant is present in population databases (rs774270653, gnomAD 0.007%). Disruption of this splice site has been observed in individual(s) with clinical features of osteoporosis-pseudoglioma syndrome and/or exudative vitreoretinopathy (PMID: 16252235, 31299183). ClinVar contains an entry for this variant (Variation ID: 1722379). Algorithms developed to predict the effect of sequence changes on RNA splicing suggest that this variant may disrupt the consensus splice site. In summary, the currently available evidence indicates that the variant is pathogenic, but additional data are needed to prove that conclusively. Therefore, this variant has been classified as Likely Pathogenic.

GeneDx
Classification: Uncertain significance. Last evaluated: 2023-10-24. Review status: criteria provided, single submitter. Criteria: GeneDx Variant Classification Process June 2021. Collection method: clinical testing. Allele origin: germline. Affected: yes.
Comment: Canonical splice site variant predicted to result in an in-frame loss of the adjacent exon in a gene for which loss of function is a known mechanism of disease; This variant is associated with the following publications: (PMID: 16252235)

Women's Health and Genetics/Laboratory Corporation of America, LabCorp
Classification: Likely pathogenic for Familial exudative vitreoretinopathy. Last evaluated: 2022-09-01. Review status: criteria provided, single submitter. Criteria: LabCorp Variant Classification Summary - May 2015. Collection method: clinical testing. Allele origin: germline.
Comment: Variant summary: LRP5 c.3763+2T>C is located in a canonical splice-site and is predicted to affect mRNA splicing resulting in a significantly altered protein due to either exon skipping, shortening, or inclusion of intronic material. Several computational tools predict a significant impact on normal splicing: Three predict the variant abolishes a 5' splicing donor site. Four predict the variant creates/strengthens a cryptic intronic 5' donor site. However, these predictions have yet to be confirmed by functional studies. The variant allele was found at a frequency of 1.2e-05 in 251364 control chromosomes (gnomAD). c.3763+2T>C has been reported in the literature in individuals affected with Osteoporosis-Pseudoglioma syndrome and Familial Exudative Vitreoretinopathy (e.g. Ai_2005, Wang_2019). These data indicate that the variant is likely to be associated with disease. To our knowledge, no experimental evidence demonstrating an impact on protein function has been reported. No clinical diagnostic laboratories have submitted clinical-significance assessments for this variant to ClinVar after 2014. Based on the evidence outlined above, the variant was classified as likely pathogenic.

Blueprint Genetics
Classification: Likely pathogenic for LRP5-related disorders. Last evaluated: 2021-01-21. Review status: criteria provided, single submitter. Criteria: ACMG Guidelines, 2015. Collection method: clinical testing. Allele origin: germline. Affected: yes. Observed: 2 variant alleles.

Dr. Peter K. Rogan Lab, Western University
No classification provided (evidence only). Condition: Ovarian serous cystadenocarcinoma. Review status: no classification provided. Collection method: in vitro. Allele origin: not applicable. Functional consequence: retained intron. Not counted in ClinVar's aggregate classification.

Literature cited by the submitters: PubMed 16199547 (cited by Labcorp Genetics (formerly Invitae), Labcorp); PubMed 11719191 (cited by Labcorp Genetics (formerly Invitae), Labcorp); PubMed 16252235 (cited by Labcorp Genetics (formerly Invitae), Labcorp and Women's Health and Genetics/Laboratory Corporation of America, LabCorp); PubMed 25711638 (cited by Labcorp Genetics (formerly Invitae), Labcorp); PubMed 31299183 (cited by Labcorp Genetics (formerly Invitae), Labcorp and Women's Health and Genetics/Laboratory Corporation of America, LabCorp).